The following is an entry in ClinVar:

ClinVar aggregate classification (germline): Uncertain significance. Review status: criteria provided, multiple submitters, no conflicts (2 of 4 stars). 3 submissions from 3 submitters: Uncertain significance (3). Last evaluated 2025-09-20.

Conditions:
Gorlin syndrome. Also called: Basal cell nevus syndrome; Nevoid Basal Cell Carcinoma Syndrome. Identifiers: Orphanet 377, MedGen C0004779, MONDO:0007187.
Medulloblastoma (MDB). Also called: Medulloblastoma, somatic; MEDULLOBLASTOMA PREDISPOSITION SYNDROME. Identifiers: Orphanet 616, MedGen C0025149, MeSH D008527, MONDO:0007959, OMIM 155255, HP:0002885.
Familial meningioma. Also called: Meningioma, familial, susceptibility to. Identifiers: Orphanet 263662, MedGen C3551915, MONDO:0011789, OMIM 607174.
Hereditary cancer-predisposing syndrome. Also called: Neoplastic Syndromes, Hereditary; Tumor predisposition; Hereditary neoplastic syndrome; Hereditary Cancer Syndrome. Identifiers: Orphanet 140162, MedGen C0027672, MeSH D009386, MONDO:0015356.

Allele frequency attached by ClinVar (database versions not stated): gnomAD exomes below 0.00001; ExAC 0.00001; gnomAD 0.00002; TOPMed 0.00002; ESP Exome Variant Server 0.00008.
gnomAD v4.1: 5 of 1,614,098 alleles (0.00031%); highest among the groups gnomAD compares: African/African-American, 0.0067%; no homozygotes.

Submissions (3):

Labcorp Genetics (formerly Invitae), Labcorp
Classification: Uncertain significance for Gorlin syndrome; Medulloblastoma. Last evaluated: 2025-09-20. Review status: criteria provided, single submitter. Criteria: Invitae Variant Classification Sherloc (09022015). Collection method: clinical testing. Allele origin: germline.
Comment: This sequence change replaces arginine, which is basic and polar, with serine, which is neutral and polar, at codon 75 of the SUFU protein (p.Arg75Ser). This variant is not present in population databases (gnomAD no frequency). This variant has not been reported in the literature in individuals affected with SUFU-related conditions. ClinVar contains an entry for this variant (Variation ID: 524664). Invitae Evidence Modeling of protein sequence and biophysical properties (such as structural, functional, and spatial information, amino acid conservation, physicochemical variation, residue mobility, and thermodynamic stability) indicates that this missense variant is not expected to disrupt SUFU protein function with a negative predictive value of 80%. In summary, the available evidence is currently insufficient to determine the role of this variant in disease. Therefore, it has been classified as a Variant of Uncertain Significance.

Ambry Genetics
Classification: Uncertain significance for Hereditary cancer-predisposing syndrome. Last evaluated: 2024-09-06. Review status: criteria provided, single submitter. Criteria: Ambry Variant Classification Scheme 2023. Collection method: clinical testing. Allele origin: germline.
Comment: The p.R75S variant (also known as c.225G>T), located in coding exon 2 of the SUFU gene, results from a G to T substitution at nucleotide position 225. The arginine at codon 75 is replaced by serine, an amino acid with dissimilar properties. This amino acid position is highly conserved in available vertebrate species. In addition, this alteration is predicted to be deleterious by in silico analysis. Since supporting evidence is limited at this time, the clinical significance of this alteration remains unclear.

Baylor Genetics
Classification: Uncertain significance for Familial meningioma. Last evaluated: 2023-11-10. Review status: criteria provided, single submitter. Criteria: ACMG Guidelines, 2015. Collection method: clinical testing. Allele origin: unknown.

NM_016169.4(SUFU):c.225G>T (p.Arg75Ser)

Gene: SUFU (SUFU negative regulator of hedgehog signaling; plus strand). Cytogenetic location: 10q24.32.
Variant type: single nucleotide variant.
Coding change: c.225G>T on transcript NM_016169.4 (MANE Select); coding-DNA position 225, G replaced by T.
Protein change: p.Arg75Ser; replaces arginine 75 with serine.
Molecular consequence: missense variant.
Genome position (GRCh38, 1-based): chr10:102,509,211, G>T. VCF-style: chr10-102509211-G-T. GRCh37 (hg19) VCF-style: chr10-104268968-G-T.
Other names: c.225G>T, p.Arg75Ser (NM_001178133.2); short protein forms R75S.
Identifiers: ClinVar variation 524664 (VCV000524664.21), dbSNP rs141532626, ClinGen allele CA5667636.